The following is an entry in ClinVar:

NM_000170.3(GLDC):c.775G>C (p.Val259Leu)

Gene: GLDC (glycine decarboxylase; minus strand). Cytogenetic location: 9p24.1.
Variant type: single nucleotide variant.
Coding change: c.775G>C on transcript NM_000170.3 (MANE Select); coding-DNA position 775, G replaced by C.
Protein change: p.Val259Leu; replaces valine 259 with leucine.
Molecular consequence: missense variant.
Genome position (GRCh38, 1-based): chr9:6,605,217, C>G on the plus strand (G>C on the coding strand, the complement: GLDC is on the minus strand). VCF-style: chr9-6605217-C-G. GRCh37 (hg19) VCF-style: chr9-6605217-C-G.
Other names: short protein forms V259L.
Identifiers: ClinVar variation 2186535 (VCV002186535.1), dbSNP rs766944621, ClinGen allele CA372896550.

ClinVar aggregate classification (germline): Uncertain significance (1 of 4 stars; one submission).

Conditions:
Glycine encephalopathy. Also called: Nonketotic hyperglycinemia; Non-ketotic hyperglycinemia. Identifiers: Orphanet 407, MedGen C0751748, MONDO:0011612, HP:0008288.

Submission:

Labcorp Genetics (formerly Invitae), Labcorp
Classification: Uncertain significance for Glycine encephalopathy. Last evaluated: 2022-08-15. Review status: criteria provided, single submitter. Criteria: Invitae Variant Classification Sherloc (09022015). Collection method: clinical testing. Allele origin: germline.
Comment: This sequence change replaces valine, which is neutral and non-polar, with leucine, which is neutral and non-polar, at codon 259 of the GLDC protein (p.Val259Leu). This variant is present in population databases (no rsID available, gnomAD 0.0009%). This variant has not been reported in the literature in individuals affected with GLDC-related conditions. Advanced modeling of protein sequence and biophysical properties (such as structural, functional, and spatial information, amino acid conservation, physicochemical variation, residue mobility, and thermodynamic stability) performed at Invitae indicates that this missense variant is not expected to disrupt GLDC protein function. In summary, the available evidence is currently insufficient to determine the role of this variant in disease. Therefore, it has been classified as a Variant of Uncertain Significance.